The following is an entry in ClinVar:

NC_000017.10:g.(?_78187951)_(78247223_?)dup

Genes: RNF213 (ring finger protein 213; plus strand), SGSH (N-sulfoglucosamine sulfohydrolase; minus strand), SLC26A11 (solute carrier family 26 member 11; plus strand). Cytogenetic location: 17q25.3.
Variant type: Duplication.
Identifiers: ClinVar variation 2422571 (VCV002422571.4).

ClinVar aggregate classification (germline): Uncertain significance (1 of 4 stars; one submission).

Conditions:
Mucopolysaccharidosis, MPS-III-A (MPS3A). Also called: HEPARAN SULFATE SULFATASE DEFICIENCY; SANFILIPPO SYNDROME A; SULFAMIDASE DEFICIENCY; MUCOPOLYSACCHARIDOSIS, TYPE IIIA, ATTENUATED; Mucopolysaccharidosis, type IIIA; mucopolysaccharidosis type 3A. Identifiers: Orphanet 581, Orphanet 79269, MedGen C0086647, MONDO:0009655, OMIM 252900.

Submission:

Labcorp Genetics (formerly Invitae), Labcorp
Classification: Uncertain significance for Mucopolysaccharidosis, MPS-III-A. Last evaluated: 2022-02-28. Review status: criteria provided, single submitter. Criteria: Invitae Variant Classification Sherloc (09022015). Collection method: clinical testing. Allele origin: germline.
Comment: In summary, the available evidence is currently insufficient to determine the role of this variant in disease. Therefore, it has been classified as a Variant of Uncertain Significance. This variant has not been reported in the literature in individuals affected with SGSH-related conditions. This variant results in a copy number gain of the genomic region encompassing exon(s) 1-5 of the SGSH gene. This region includes the initiator codon of the gene. This copy number gain extends beyond the assayed region for this gene and therefore may encompass additional genes. As the precise location of this event is unknown, it may be in tandem or it may be located elsewhere in the genome.